The following is an entry in ClinVar:

ClinVar aggregate classification (germline): Uncertain significance. Review status: criteria provided, multiple submitters, no conflicts (2 of 4 stars). 2 submissions from 2 submitters: Uncertain significance (2). Last evaluated 2025-01-02.

Conditions:
Hereditary cancer-predisposing syndrome. Also called: Neoplastic Syndromes, Hereditary; Tumor predisposition; Hereditary neoplastic syndrome; Hereditary Cancer Syndrome. Identifiers: Orphanet 140162, MedGen C0027672, MeSH D009386, MONDO:0015356.
Multiple endocrine neoplasia, type 2 (MEN2). Identifiers: Orphanet 653, MedGen C4048306, MONDO:0019003. Disease mechanism: gain of function.

Allele frequency attached by ClinVar (database versions not stated): TOPMed below 0.00001; gnomAD 0.00001.
gnomAD v4.1: 1 of 1,612,604 alleles (0.000062%); highest among the groups gnomAD compares: African/African-American, 0.0013%; no homozygotes.

Submissions (2):

Labcorp Genetics (formerly Invitae), Labcorp
Classification: Uncertain significance for Multiple endocrine neoplasia, type 2. Last evaluated: 2025-01-02. Review status: criteria provided, single submitter. Criteria: Invitae Variant Classification Sherloc (09022015). Collection method: clinical testing. Allele origin: germline.
Comment: This sequence change replaces phenylalanine, which is neutral and non-polar, with valine, which is neutral and non-polar, at codon 299 of the RET protein (p.Phe299Val). This variant is not present in population databases (gnomAD no frequency). This variant has not been reported in the literature in individuals affected with RET-related conditions. ClinVar contains an entry for this variant (Variation ID: 1366196). An algorithm developed to predict the effect of missense changes on protein structure and function (PolyPhen-2) suggests that this variant is likely to be tolerated. In summary, the available evidence is currently insufficient to determine the role of this variant in disease. Therefore, it has been classified as a Variant of Uncertain Significance.

Ambry Genetics
Classification: Uncertain significance for Hereditary cancer-predisposing syndrome. Last evaluated: 2024-10-12. Review status: criteria provided, single submitter. Criteria: Ambry Variant Classification Scheme 2023. Collection method: clinical testing. Allele origin: germline.

NM_020975.6(RET):c.895T>G (p.Phe299Val)

Gene: RET (ret proto-oncogene; plus strand). Cytogenetic location: 10q11.21.
Variant type: single nucleotide variant.
Coding change: c.895T>G on transcript NM_020975.6 (MANE Select); coding-DNA position 895, T replaced by G.
Protein change: p.Phe299Val; replaces phenylalanine 299 with valine.
Molecular consequence: missense variant.
Genome position (GRCh38, 1-based): chr10:43,106,403, T>G. VCF-style: chr10-43106403-T-G. GRCh37 (hg19) VCF-style: chr10-43601851-T-G.
Other names: c.895T>G, p.Phe299Val (NM_000323.2, NM_001406743.1, NM_001406744.1 and 6 more transcripts); c.133T>G, p.Phe45Val (NM_001355216.2); c.766T>G, p.Phe256Val (NM_001406761.1, NM_001406762.1, NM_001406764.1 and 1 more transcripts); c.607T>G, p.Phe203Val (NM_001406766.1, NM_001406767.1, NM_001406770.1); short protein forms F299V, F45V, F203V, F256V.
Identifiers: ClinVar variation 1366196 (VCV001366196.10), dbSNP rs1837776769, ClinGen allele CA376545731.
Genomic context (GRCh38, chr10:43,106,403, plus strand): 5'-CCTGCACTGACCAACGCCCTCTGCATCCTGCAGGACACCGTGGTGGCCACGCTGCGTGTC[T>G]TCGATGCAGACGTGGTACCTGCATCAGGGGAGCTGGTGAGGCGGTACACAAGCACGCTGC-3'
Protein context (NP_066124.1, residues 289-309): EDTVVATLRV[Phe299Val]DADVVPASGE